The following is an entry in ClinVar:

NM_015557.3(CHD5):c.4433C>A (p.Pro1478Gln)

Gene: CHD5 (chromodomain helicase DNA binding protein 5; minus strand). Cytogenetic location: 1p36.31.
Variant type: single nucleotide variant.
Coding change: c.4433C>A on transcript NM_015557.3 (MANE Select); coding-DNA position 4433, C replaced by A.
Protein change: p.Pro1478Gln; replaces proline 1478 with glutamine.
Molecular consequence: missense variant.
Genome position (GRCh38, 1-based): chr1:6,124,623, G>T on the plus strand (C>A on the coding strand, the complement: CHD5 is on the minus strand). VCF-style: chr1-6124623-G-T. GRCh37 (hg19) VCF-style: chr1-6184683-G-T.
Other names: short protein forms P1478Q.
Identifiers: ClinVar variation 3371979 (VCV003371979.1).

ClinVar aggregate classification (germline): Uncertain significance (1 of 4 stars; one submission).

Submission:

GeneDx
Classification: Uncertain significance. Last evaluated: 2024-04-02. Review status: criteria provided, single submitter. Criteria: GeneDx Variant Classification Process June 2021. Collection method: clinical testing. Allele origin: germline. Affected: yes.
Comment: Not observed at significant frequency in large population cohorts (gnomAD); In silico analysis supports that this missense variant has a deleterious effect on protein structure/function; In silico analysis supports a deleterious effect on splicing; Has not been previously published as pathogenic or benign to our knowledge